The following is an entry in ClinVar:

NM_013322.3(SNX10):c.25-5T>C

Gene: SNX10 (sorting nexin 10; plus strand). Cytogenetic location: 7p15.2.
Variant type: single nucleotide variant.
Coding change: c.25-5T>C on transcript NM_013322.3 (MANE Select); 5 bases into the intron before coding-DNA position 25, T replaced by C.
Molecular consequence: intron variant. On other transcripts: missense variant (1).
Genome position (GRCh38, 1-based): chr7:26,360,970, T>C. VCF-style: chr7-26360970-T-C. GRCh37 (hg19) VCF-style: chr7-26400590-T-C.
Other names: c.11T>C (NM_001199837.1); c.11T>C, p.Leu4Ser (NM_001199837.3); c.103-5T>C (NM_001362754.1, NM_001362753.1, NM_001318198.1); c.25-5T>C (NM_001199835.1, NM_001318199.3); short protein forms L4S.
Identifiers: ClinVar variation 725914 (VCV000725914.14), dbSNP rs184384013, ClinGen allele CA4195158.

ClinVar aggregate classification (germline): Benign. Review status: criteria provided, single submitter (1 of 4 stars). 4 submissions from 4 submitters: Benign (1). 3 of the submissions do not count toward it. Last evaluated 2026-02-02.

Conditions:
SNX10-related disorder. Also called: SNX10-related condition.

Allele frequency attached by ClinVar (database versions not stated): TOPMed 0.00093; 1000 Genomes Project 0.00100; 1000 Genomes Project 30x 0.00109; ESP Exome Variant Server 0.00154; gnomAD exomes 0.00199 and 0.00229; gnomAD 0.00202 and 0.00209; ExAC 0.00245.
gnomAD v4.1: 3,190 of 1,613,046 alleles (0.2%); highest among the groups gnomAD compares: Non-Finnish European, 0.18%; 13 homozygotes.

Submissions (4):

Labcorp Genetics (formerly Invitae), Labcorp
Classification: Benign. Last evaluated: 2026-02-02. Review status: criteria provided, single submitter. Criteria: Invitae Variant Classification Sherloc (09022015). Collection method: clinical testing. Allele origin: germline.

PreventionGenetics, part of Exact Sciences
Classification: Benign for SNX10-related condition. Last evaluated: 2024-02-20. Review status: no assertion criteria provided. Collection method: clinical testing. Allele origin: germline. Not counted in ClinVar's aggregate classification.
Comment: This variant is classified as benign based on ACMG/AMP sequence variant interpretation guidelines (Richards et al. 2015 PMID: 25741868, with internal and published modifications).

Clinical Genetics DNA and cytogenetics Diagnostics Lab, Erasmus MC, Erasmus Medical Center
Classification: Likely benign. Review status: no assertion criteria provided. Collection method: clinical testing. Allele origin: germline. Affected: yes. Study: VKGL Data-share Consensus. Not counted in ClinVar's aggregate classification.

Genome Diagnostics Laboratory, University Medical Center Utrecht
Classification: Likely benign. Review status: no assertion criteria provided. Collection method: clinical testing. Allele origin: germline. Affected: yes. Study: VKGL Data-share Consensus. Not counted in ClinVar's aggregate classification.